The following is an entry in ClinVar:

NM_017433.5(MYO3A):c.4643G>A (p.Arg1548His)

Gene: MYO3A (myosin IIIA; plus strand). Cytogenetic location: 10p12.1.
Variant type: single nucleotide variant.
Coding change: c.4643G>A on transcript NM_017433.5 (MANE Select); coding-DNA position 4643, G replaced by A.
Protein change: p.Arg1548His; replaces arginine 1548 with histidine.
Molecular consequence: missense variant.
Genome position (GRCh38, 1-based): chr10:26,203,020, G>A. VCF-style: chr10-26203020-G-A. GRCh37 (hg19) VCF-style: chr10-26491949-G-A.
Other names: short protein forms R1548H.
Identifiers: ClinVar variation 1253864 (VCV001253864.6), dbSNP rs142609832, ClinGen allele CA5445539.

ClinVar aggregate classification (germline): Uncertain significance. Review status: criteria provided, multiple submitters, no conflicts (2 of 4 stars). 3 submissions from 3 submitters: Uncertain significance (3). Last evaluated 2025-04-24.

Allele frequency attached by ClinVar (database versions not stated): ExAC 0.00017; 1000 Genomes Project 30x 0.00031; 1000 Genomes Project 0.00040; ESP Exome Variant Server 0.00069.
gnomAD v4.1: 201 of 1,613,738 alleles (0.012%); highest among the groups gnomAD compares: African/African-American, 0.16%; 2 homozygotes.

Submissions (3):

Labcorp Genetics (formerly Invitae), Labcorp
Classification: Uncertain significance. Last evaluated: 2025-04-24. Review status: criteria provided, single submitter. Criteria: Invitae Variant Classification Sherloc (09022015). Collection method: clinical testing. Allele origin: germline.
Comment: This sequence change replaces arginine, which is basic and polar, with histidine, which is basic and polar, at codon 1548 of the MYO3A protein (p.Arg1548His). This variant is present in population databases (rs142609832, gnomAD 0.1%). This variant has not been reported in the literature in individuals affected with MYO3A-related conditions. ClinVar contains an entry for this variant (Variation ID: 1253864). An algorithm developed to predict the effect of missense changes on protein structure and function outputs the following: PolyPhen-2: "Benign". The histidine amino acid residue is found in multiple mammalian species, which suggests that this missense change does not adversely affect protein function. In summary, the available evidence is currently insufficient to determine the role of this variant in disease. Therefore, it has been classified as a Variant of Uncertain Significance.

Blueprint Genetics
Classification: Uncertain significance. Last evaluated: 2023-08-28. Review status: criteria provided, single submitter. Criteria: ACMG Guidelines, 2015. Collection method: clinical testing. Allele origin: germline.

GeneDx
Classification: Uncertain significance. Last evaluated: 2021-07-12. Review status: criteria provided, single submitter. Criteria: GeneDx Variant Classification Process June 2021. Collection method: clinical testing. Allele origin: germline. Affected: yes.
Comment: In silico analysis supports that this missense variant does not alter protein structure/function; Has not been previously published as pathogenic or benign to our knowledge; This variant is associated with the following publications: (PMID: 27535533)